The following is an entry in ClinVar:

ClinVar aggregate classification (germline): Pathogenic (1 of 4 stars; one submission).

Submission:

GeneDx
Classification: Pathogenic. Last evaluated: 2026-04-03. Review status: criteria provided, single submitter. Criteria: GeneDx Variant Classification Process June 2021. Collection method: clinical testing. Allele origin: germline.
Comment: Frameshift variant predicted to result in protein truncation or nonsense mediated decay in a gene for which loss of function is a known mechanism of disease; Not observed at significant frequency in large population cohorts (gnomAD); This variant is associated with the following publications: (PMID: 10090487)

NM_001042492.3(NF1):c.5118dup (p.Val1707fs)

Gene: NF1 (neurofibromin 1; plus strand). Cytogenetic location: 17q11.2.
Variant type: Duplication.
Coding change: c.5118dup on transcript NM_001042492.3 (MANE Select); coding-DNA position 5118, one base duplicated (T; older notation c.5118dupT).
Protein change: p.Val1707fs; shifts the reading frame from valine 1707.
Molecular consequence: frameshift variant.
Genome position (GRCh38, 1-based): chr17:31,326,102, T duplicated; the last of 2 consecutive T bases (chr17:31,326,101-31,326,102); duplicating either gives the same sequence. VCF-style (leftmost placement, unchanged base first): chr17-31326100-C-CT. GRCh37 (hg19) VCF-style: chr17-29653118-C-CT.
Other names: c.5055dup, p.Val1686fs (NM_000267.4); short protein forms V1686fs, V1707fs.
Identifiers: ClinVar variation 5018315 (VCV005018315.1).